The following is an entry in ClinVar:

NM_000722.4(CACNA2D1):c.2986C>T (p.Leu996Phe)

Gene: CACNA2D1 (calcium voltage-gated channel auxiliary subunit alpha2delta 1; minus strand). Cytogenetic location: 7q21.11.
Variant type: single nucleotide variant.
Coding change: c.2986C>T on transcript NM_000722.4 (MANE Select); coding-DNA position 2986, C replaced by T.
Protein change: p.Leu996Phe; replaces leucine 996 with phenylalanine.
Molecular consequence: missense variant.
Genome position (GRCh38, 1-based): chr7:81,959,810, G>A on the plus strand (C>T on the coding strand, the complement: CACNA2D1 is on the minus strand). VCF-style: chr7-81959810-G-A. GRCh37 (hg19) VCF-style: chr7-81589126-G-A.
Other names: c.3022C>T, p.Leu1008Phe (NM_001366867.1); short protein forms L996F, L1008F.
Identifiers: ClinVar variation 3994533 (VCV003994533.1).

ClinVar aggregate classification (germline): Uncertain significance (1 of 4 stars; one submission).

Conditions:
Cardiovascular phenotype. Identifiers: MedGen CN230736.

gnomAD v4.1: 16 of 1,612,094 alleles (0.00099%); highest among the groups gnomAD compares: African/African-American, 0.0013%; no homozygotes.

Submission:

Ambry Genetics
Classification: Uncertain significance for Cardiovascular phenotype. Last evaluated: 2025-05-24. Review status: criteria provided, single submitter. Criteria: Ambry Variant Classification Scheme 2023. Collection method: clinical testing. Allele origin: germline.
Comment: The p.L996F variant (also known as c.2986C>T), located in coding exon 37 of the CACNA2D1 gene, results from a C to T substitution at nucleotide position 2986. The leucine at codon 996 is replaced by phenylalanine, an amino acid with highly similar properties. This amino acid position is conserved. In addition, this alteration is predicted to be tolerated by in silico analysis. Based on the available evidence, the clinical significance of this variant remains unclear.